The following is an entry in ClinVar:

NM_000059.4(BRCA2):c.7005T>A (p.Phe2335Leu)

Gene: BRCA2 (BRCA2 DNA repair associated; plus strand). Cytogenetic location: 13q13.1.
Variant type: single nucleotide variant.
Coding change: c.7005T>A on transcript NM_000059.4 (MANE Select); coding-DNA position 7005, T replaced by A.
Protein change: p.Phe2335Leu; replaces phenylalanine 2335 with leucine.
Molecular consequence: missense variant. On other transcripts: non-coding transcript variant (1).
Genome position (GRCh38, 1-based): chr13:32,346,894, T>A. VCF-style: chr13-32346894-T-A. GRCh37 (hg19) VCF-style: chr13-32921031-T-A.
Other names: c.6909T>A, p.Phe2303Leu (NM_001406719.1); c.7005T>A, p.Phe2335Leu (NM_001406720.1); c.2073T>A, p.Phe691Leu (NM_001406721.1); c.588T>A, p.Phe196Leu (NM_001406722.1); short protein forms F196L, F2303L, F2335L, F691L.
Identifiers: ClinVar variation 3251274 (VCV003251274.1), dbSNP rs1261716229.

ClinVar aggregate classification (germline): Uncertain significance (1 of 4 stars; one submission).

Submission:

Women's Health and Genetics/Laboratory Corporation of America, LabCorp
Classification: Uncertain significance. Last evaluated: 2024-04-15. Review status: criteria provided, single submitter. Criteria: LabCorp Variant Classification Summary - May 2015. Collection method: clinical testing. Allele origin: germline.
Comment: Variant summary: BRCA2 c.7005T>A (p.Phe2335Leu) results in a non-conservative amino acid change in the encoded protein sequence. Four of five in-silico tools predict a benign effect of the variant on protein function. Consensus agreement among computation tools predict no significant impact on normal splicing. However, these predictions have yet to be confirmed by functional studies. The variant was absent in 247890 control chromosomes. The available data on variant occurrences in the general population are insufficient to allow any conclusion about variant significance. To our knowledge, no occurrence of c.7005T>A in individuals affected with Hereditary Breast And Ovarian Cancer Syndrome has been reported. At least one publication reports experimental evidence showing this variant is functional by saturation genome editing (SGE) assay (Sahu_2023). The following publication have been ascertained in the context of this evaluation (PMID: 37713444). No submitters have cited clinical-significance assessments for this variant to ClinVar. Based on the evidence outlined above, the variant was classified as uncertain significance.

Literature cited by the submitters: PubMed 37713444.